The following is an entry in ClinVar:

ClinVar aggregate classification (germline): Conflicting classifications of pathogenicity. Review status: criteria provided, conflicting classifications (1 of 4 stars). 4 submissions from 4 submitters: Uncertain significance (3); Likely benign (1). Last evaluated 2026-02-02.

Conditions:
Cardiovascular phenotype. Identifiers: MedGen CN230736.
Keratosis palmoplantaris striata 2. Also called: KERATODERMA, PALMOPLANTAR, STRIATE FORM II; STRIATE PALMOPLANTAR KERATODERMA II; Keratosis palmoplantaris striata II. Identifiers: MedGen C1852127, MONDO:0013034, OMIM 612908.
Arrhythmogenic cardiomyopathy with wooly hair and keratoderma. Also called: PALMOPLANTAR KERATODERMA WITH LEFT VENTRICULAR CARDIOMYOPATHY AND WOOLLY HAIR; Carvajal syndrome; Arrhythmogenic cardiomyopathy with woolly hair and keratoderma; Dilated cardiomyopathy with woolly hair and keratoderma. Identifiers: Orphanet 65282, MedGen C1854063, MONDO:0011581, OMIM 605676.
Woolly hair-skin fragility syndrome (WHSF). Identifiers: Orphanet 293165, MedGen C1843292, MONDO:0957307, OMIM 620415.
Cardiomyopathy, dilated, with wooly hair, keratoderma, and tooth agenesis. Also called: Cardiomyopathy, dilated, with woolly hair, keratoderma, and tooth agenesis; Erythrokeratodermia-cardiomyopathy syndrome. Identifiers: Orphanet 476096, Orphanet 65282, MedGen C4014393, MONDO:0014355, OMIM 615821.
Lethal acantholytic epidermolysis bullosa (EBLA). Identifiers: Orphanet 158687, MedGen C1864826, MONDO:0012323, OMIM 609638.
Arrhythmogenic right ventricular dysplasia 8 (ARVD8). Also called: Arrhythmogenic Right Ventricular Dysplasia/Cardiomyopathy 8; ARRHYTHMOGENIC RIGHT VENTRICULAR DYSPLASIA, FAMILIAL, 8; ARRHYTHMOGENIC RIGHT VENTRICULAR CARDIOMYOPATHY 8. Identifiers: MedGen C1843896, MONDO:0011831, OMIM 607450.
Cardiomyopathy (CMYO). Also called: Cardiomyopathies. Identifiers: Orphanet 167848, MedGen C0878544, MONDO:0004994, HP:0001638. Inheritance: Various modes of inheritance.

Allele frequency attached by ClinVar (database versions not stated): gnomAD 0.00001; TOPMed 0.00001; ExAC 0.00004; gnomAD exomes 0.00004.
gnomAD v4.1: 45 of 1,613,220 alleles (0.0028%); highest among the groups gnomAD compares: Middle Eastern, 0.016%; no homozygotes.

Submissions (4):

Labcorp Genetics (formerly Invitae), Labcorp
Classification: Likely benign for Arrhythmogenic cardiomyopathy with wooly hair and keratoderma; Arrhythmogenic right ventricular dysplasia 8. Last evaluated: 2026-02-02. Review status: criteria provided, single submitter. Criteria: Invitae Variant Classification Sherloc (09022015). Collection method: clinical testing. Allele origin: germline.

Color Diagnostics, LLC DBA Color Health
Classification: Uncertain significance for Cardiomyopathy. Last evaluated: 2025-06-12. Review status: criteria provided, single submitter. Criteria: ACMG Guidelines, 2015. Collection method: clinical testing. Allele origin: germline.
Comment: This missense variant replaces arginine with tryptophan at codon 1002 of the DSP protein. Computational prediction suggests that this variant may not impact protein structure and function. To our knowledge, functional studies have not been reported for this variant. This variant has not been reported in individuals affected with DSP-related disorders in the literature. This variant has been identified in 11/251298 chromosomes in the general population by the Genome Aggregation Database (gnomAD). The available evidence is insufficient to determine the role of this variant in disease conclusively. Therefore, this variant is classified as a Variant of Uncertain Significance.

Ambry Genetics
Classification: Uncertain significance for Cardiovascular phenotype. Last evaluated: 2023-06-09. Review status: criteria provided, single submitter. Criteria: Ambry Variant Classification Scheme 2023. Collection method: clinical testing. Allele origin: germline.
Comment: The p.R1002W variant (also known as c.3004C>T), located in coding exon 22 of the DSP gene, results from a C to T substitution at nucleotide position 3004. The arginine at codon 1002 is replaced by tryptophan, an amino acid with dissimilar properties. This variant was detected in a cardiomyopathy genetic testing cohort; however, clinical details were limited, and additional cardiac variants were detected in some cases. (van Lint FHM et al. Neth Heart J, 2019 Jun;27:304-309). This amino acid position is well conserved in available vertebrate species. In addition, the in silico prediction for this alteration is inconclusive. Since supporting evidence is limited at this time, the clinical significance of this alteration remains unclear.

Fulgent Genetics
Classification: Uncertain significance for Arrhythmogenic cardiomyopathy with wooly hair and keratoderma; Arrhythmogenic right ventricular dysplasia 8; Lethal acantholytic epidermolysis bullosa; Keratosis palmoplantaris striata 2; Cardiomyopathy, dilated, with wooly hair, keratoderma, and tooth agenesis. Last evaluated: 2021-10-28. Review status: criteria provided, single submitter. Criteria: ACMG Guidelines, 2015. Collection method: clinical testing. Allele origin: unknown.

Literature cited by the submitters: PubMed 30847666 (cited by Ambry Genetics).

NM_004415.4(DSP):c.3004C>T (p.Arg1002Trp)

Gene: DSP (desmoplakin; plus strand). Cytogenetic location: 6p24.3.
Variant type: single nucleotide variant.
Coding change: c.3004C>T on transcript NM_004415.4 (MANE Select); coding-DNA position 3004, C replaced by T.
Protein change: p.Arg1002Trp; replaces arginine 1002 with tryptophan.
Molecular consequence: missense variant.
Genome position (GRCh38, 1-based): chr6:7,578,482, C>T. VCF-style: chr6-7578482-C-T. GRCh37 (hg19) VCF-style: chr6-7578715-C-T.
Other names: c.3004C>T (LRG_423t1); c.3004C>T, p.Arg1002Trp (NM_001008844.3, NM_001319034.2); short protein forms R1002W.
Identifiers: ClinVar variation 246660 (VCV000246660.21), dbSNP rs772551736, ClinGen allele CA036605.